The following is an entry in ClinVar:

NM_004100.5(EYA4):c.1000A>G (p.Thr334Ala)

Gene: EYA4 (EYA transcriptional coactivator and phosphatase 4; plus strand). Cytogenetic location: 6q23.2.
Variant type: single nucleotide variant.
Coding change: c.1000A>G on transcript NM_004100.5 (MANE Select); coding-DNA position 1000, A replaced by G.
Protein change: p.Thr334Ala; replaces threonine 334 with alanine.
Molecular consequence: missense variant.
Genome position (GRCh38, 1-based): chr6:133,481,492, A>G. VCF-style: chr6-133481492-A-G. GRCh37 (hg19) VCF-style: chr6-133802630-A-G.
Other names: c.838A>G, p.Thr280Ala (NM_001301012.2); c.1018A>G, p.Thr340Ala (NM_001301013.2); c.931A>G, p.Thr311Ala (NM_001370458.1, NM_172103.4); c.856A>G, p.Thr286Ala (NM_001370459.1); c.1000A>G, p.Thr334Ala (NM_172105.4); short protein forms T280A, T286A, T311A, T334A, T340A.
Identifiers: ClinVar variation 3223691 (VCV003223691.1), dbSNP rs2534856333, ClinGen allele CA365706360.

ClinVar aggregate classification (germline): Uncertain significance (1 of 4 stars; one submission).

Conditions:
Cardiovascular phenotype. Identifiers: MedGen CN230736.

Submission:

Ambry Genetics
Classification: Uncertain significance for Cardiovascular phenotype. Last evaluated: 2023-12-01. Review status: criteria provided, single submitter. Criteria: Ambry Variant Classification Scheme 2023. Collection method: clinical testing. Allele origin: germline.
Comment: The p.T334A variant (also known as c.1000A>G), located in coding exon 11 of the EYA4 gene, results from an A to G substitution at nucleotide position 1000. The threonine at codon 334 is replaced by alanine, an amino acid with similar properties. This amino acid position is conserved. In addition, the in silico prediction for this alteration is inconclusive. Since supporting evidence is limited at this time, the clinical significance of this alteration remains unclear.